The following is an entry in ClinVar:

ClinVar aggregate classification (germline): Uncertain significance (1 of 4 stars; one submission).

Submission:

GeneDx
Classification: Uncertain significance. Last evaluated: 2023-03-22. Review status: criteria provided, single submitter. Criteria: GeneDx Variant Classification Process June 2021. Collection method: clinical testing. Allele origin: germline. Affected: yes.
Comment: In-frame deletion of 1 amino acid in a non-repeat region; In silico analysis supports a deleterious effect on protein structure/function; Not observed at significant frequency in large population cohorts (gnomAD); Has not been previously published as pathogenic or benign to our knowledge

NM_016284.5(CNOT1):c.6968TTA[1] (p.Ile2324del)

Genes: CNOT1 (CCR4-NOT transcription complex subunit 1; minus strand), SETD6 (SET domain containing 6, protein lysine methyltransferase; plus strand). Cytogenetic location: 16q21.
Variant type: Microsatellite.
Coding change: c.6968TTA[1] on transcript NM_016284.5 (MANE Select); one copy of the 3-base unit TTA starting at c.6968; the reference has two copies in a row; one copy, 3 bases deleted.
Protein change: p.Ile2324del; deletes isoleucine 2324.
Molecular consequence: inframe deletion. On other transcripts: non-coding transcript variant (1), 3 prime UTR variant (1).
Genome position (GRCh38, 1-based): chr16:58,521,262-58,521,264, TAA deleted on the plus strand (TTA on the coding strand, the reverse complement: CNOT1 is on the minus strand); deleting any 3 consecutive bases within chr16:58,521,262-58,521,267 gives the same sequence; the position shown is the placement nearest the transcript's 3' end. VCF-style (leftmost placement, unchanged base first): chr16-58521261-GTAA-G. GRCh37 (hg19) VCF-style: chr16-58555165-GTAA-G.
Other names: c.6953TTA[1], p.Ile2319del (NM_001265612.2); c.*2233TAA[1] (NM_001160305.4); short protein forms I2319del, I2324del.
Identifiers: ClinVar variation 2446155 (VCV002446155.1), dbSNP rs2543786976, ClinGen allele CA2580613882.